The following is an entry in ClinVar:

ClinVar aggregate classification (germline): Benign/Likely benign. Review status: criteria provided, multiple submitters, no conflicts (2 of 4 stars). 5 submissions from 5 submitters: Benign (1); Likely benign (4). Last evaluated 2026-04-24.

Conditions:
Colorectal cancer, susceptibility to, 1. Also called: COLORECTAL ADENOMA AND CANCER, SUSCEPTIBILITY TO; COLORECTAL CANCER, SUSCEPTIBILITY TO, ON CHROMOSOME 9. Identifiers: MedGen C1837315, MONDO:0012132, OMIM 608812.

Allele frequency attached by ClinVar (database versions not stated): ExAC 0.00002; gnomAD exomes 0.00004; gnomAD 0.00005 and 0.00006; TOPMed 0.00005.
gnomAD v4.1: 149 of 1,601,018 alleles (0.0093%); highest among the groups gnomAD compares: Non-Finnish European, 0.011%; no homozygotes.

Submissions (5):

Myriad Genetics, Inc.
Classification: Benign for Colorectal cancer, susceptibility to, 1. Last evaluated: 2026-04-24. Review status: criteria provided, single submitter. Criteria: Myriad Autosomal Dominant, Autosomal Recessive and X-Linked Classification Criteria (2023). Collection method: clinical testing. Allele origin: unknown.
Comment: This variant is considered benign. This variant is a silent/synonymous amino acid change and it is not expected to impact splicing.

Labcorp Genetics (formerly Invitae), Labcorp
Classification: Likely benign. Last evaluated: 2025-10-06. Review status: criteria provided, single submitter. Criteria: Invitae Variant Classification Sherloc (09022015). Collection method: clinical testing. Allele origin: germline.

Blueprint Genetics
Classification: Likely benign. Last evaluated: 2023-11-24. Review status: criteria provided, single submitter. Criteria: ACMG Guidelines, 2015. Collection method: clinical testing. Allele origin: germline.

Quest Diagnostics Nichols Institute San Juan Capistrano
Classification: Likely benign. Last evaluated: 2023-01-31. Review status: criteria provided, single submitter. Criteria: Quest Diagnostics criteria. Collection method: clinical testing. Allele origin: unknown.

Ambry Genetics
Classification: Likely benign. Last evaluated: 2019-01-04. Review status: criteria provided, single submitter. Criteria: Ambry Variant Classification Scheme 2023. Collection method: clinical testing. Allele origin: germline.

NM_024642.5(GALNT12):c.654G>A (p.Ala218=)

Gene: GALNT12 (polypeptide N-acetylgalactosaminyltransferase 12; plus strand). Cytogenetic location: 9q22.33.
Variant type: single nucleotide variant.
Coding change: c.654G>A on transcript NM_024642.5 (MANE Select); coding-DNA position 654, G replaced by A.
Protein change: p.Ala218=; no amino-acid change (alanine 218 retained).
Molecular consequence: synonymous variant.
Genome position (GRCh38, 1-based): chr9:98,826,864, G>A. VCF-style: chr9-98826864-G-A. GRCh37 (hg19) VCF-style: chr9-101589146-G-A.
Identifiers: ClinVar variation 699819 (VCV000699819.16), dbSNP rs745820082, ClinGen allele CA5154016.